The following is an entry in ClinVar:

ClinVar aggregate classification (germline): Uncertain significance (1 of 4 stars; one submission).

Submission:

GeneDx
Classification: Uncertain significance. Last evaluated: 2026-02-19. Review status: criteria provided, single submitter. Criteria: GeneDx Variant Classification Process June 2021. Collection method: clinical testing. Allele origin: germline.
Comment: Not observed at significant frequency in large population cohorts (gnomAD); In silico analysis supports that this missense variant has a deleterious effect on protein structure/function; Has not been previously published as pathogenic or benign to our knowledge

NM_001958.5(EEF1A2):c.1090C>T (p.His364Tyr)

Gene: EEF1A2 (eukaryotic translation elongation factor 1 alpha 2; minus strand). Cytogenetic location: 20q13.33.
Variant type: single nucleotide variant.
Coding change: c.1090C>T on transcript NM_001958.5 (MANE Select); coding-DNA position 1090, C replaced by T.
Protein change: p.His364Tyr; replaces histidine 364 with tyrosine.
Molecular consequence: missense variant.
Genome position (GRCh38, 1-based): chr20:63,489,092, G>A on the plus strand (C>T on the coding strand, the complement: EEF1A2 is on the minus strand). VCF-style: chr20-63489092-G-A. GRCh37 (hg19) VCF-style: chr20-62120445-G-A.
Other names: short protein forms H364Y.
Identifiers: ClinVar variation 5009869 (VCV005009869.1).
Genomic context (GRCh38, chr20:63,489,092, plus strand): 5'-CAGAGCGCCGGTCAATCTTCTCCTTCAGCTCCGCAAACTTGCAGGCGATGTGGGCTGTGT[G>A]GCAGTCGATGACCGGGGAGTAGCCGGCGCTAATCTGCCCCGGGTGGTTCAGGATGATGAC-3'
Protein context (NP_001949.1, residues 354-374): SAGYSPVIDC[His364Tyr]TAHIACKFAE